The following is an entry in ClinVar:

NM_006420.3(ARFGEF2):c.91C>T (p.Gln31Ter)

Gene: ARFGEF2 (ARF guanine nucleotide exchange factor 2; plus strand). Cytogenetic location: 20q13.13.
Variant type: single nucleotide variant.
Coding change: c.91C>T on transcript NM_006420.3 (MANE Select); coding-DNA position 91, C replaced by T.
Protein change: p.Gln31Ter; replaces glutamine 31 with a stop codon.
Molecular consequence: nonsense.
Genome position (GRCh38, 1-based): chr20:48,921,980, C>T. VCF-style: chr20-48921980-C-T. GRCh37 (hg19) VCF-style: chr20-47538517-C-T.
Other names: c.91C>T, p.Gln31Ter (NM_001410846.1); short protein forms Q31*.
Identifiers: ClinVar variation 2585457 (VCV002585457.1), dbSNP rs2515997041, ClinGen allele CA409309644.

ClinVar aggregate classification (germline): Likely pathogenic (1 of 4 stars; one submission).

Conditions:
Periventricular heterotopia with microcephaly, autosomal recessive (ARPHM). Also called: PERIVENTRICULAR NODULAR HETEROTOPIA 2; Periventricular heterotopia with microcephaly. Identifiers: Orphanet 2149, MedGen C1842563, MONDO:0011966, OMIM 608097.

Submission:

Neuberg Centre For Genomic Medicine, NCGM
Classification: Likely pathogenic for Periventricular heterotopia with microcephaly, autosomal recessive. Review status: criteria provided, single submitter. Criteria: ACMG Guidelines, 2015. Collection method: clinical testing. Allele origin: germline. Inheritance: Autosomal recessive inheritance. Affected: yes.
Comment: The stop gained variant c.91C>T (p.Gln31Ter) has not been reported previously as a pathogenic variant nor as a benign variant, to our knowledge.. The variant is novel (not in any individuals) in gnomAD Exomes and 1000 Genomes. The nucleotide change in ARFGEF2 is predicted as conserved by GERP++ and PhyloP across 100 vertebrates. The variant is predicted to cause loss of function due to premature truncation.Loss of function variants have been previously reported to be disease causing. For these reasons, this variant has been classified as Likely pathogenic.